The following is an entry in ClinVar:

NM_000090.4(COL3A1):c.1115_1117del (p.Gly372_Pro373delinsAla)

Gene: COL3A1 (collagen type III alpha 1 chain; plus strand). Cytogenetic location: 2q32.2.
Variant type: Deletion.
Coding change: c.1115_1117del on transcript NM_000090.4 (MANE Select); coding-DNA positions 1115 to 1117, 3 bases deleted (GAC; older notation c.1115_1117delGAC).
Protein change: p.Gly372_Pro373delinsAla.
Molecular consequence: inframe indel.
Genome position (GRCh38, 1-based): chr2:188,993,425-188,993,427, GAC deleted. VCF-style (leftmost placement, unchanged base first): chr2-188993424-GGAC-G. GRCh37 (hg19) VCF-style: chr2-189858150-GGAC-G.
Identifiers: ClinVar variation 2705362 (VCV002705362.3), dbSNP rs2469126287, ClinGen allele CA2697551446.

ClinVar aggregate classification (germline): Likely pathogenic (1 of 4 stars; one submission).

Conditions:
Ehlers-Danlos syndrome, type 4 (EDSVASC). Also called: Ehlers-Danlos Syndrome Type IV; Ehlers-Danlos syndrome vascular type; Ehlers Danlos syndrome, ecchymotic type; Ehlers Danlos syndrome, arterial type; Ehlers Danlos syndrome, Sack-Barabas type. Identifiers: Orphanet 286, MedGen C0268338, MONDO:0017314, OMIM 130050.

Submission:

Labcorp Genetics (formerly Invitae), Labcorp
Classification: Likely pathogenic for Ehlers-Danlos syndrome, type 4. Last evaluated: 2023-12-25. Review status: criteria provided, single submitter. Criteria: Invitae Variant Classification Sherloc (09022015). Collection method: clinical testing. Allele origin: germline.
Comment: This variant, c.1115_1117del, is a complex sequence change that results in the deletion of 2 and insertion of 1 amino acid(s) in the COL3A1 protein (p.Gly372_Pro373delinsAla). This variant is not present in population databases (gnomAD no frequency). This variant has been observed in individual(s) with clinical features of COL3A1-related conditions (Invitae). This variant disrupts the triple helix domain of COL3A1. Glycine residues within the Gly-Xaa-Yaa repeats of the triple helix domain are required for the structure and stability of fibrillar collagens (PMID: 7695699, 8218237, 19344236). In COL3A1, variants that affect these glycine residues are significantly enriched in individuals with disease (PMID: 24922459, 25758994) compared to the general population (ExAC). In summary, the currently available evidence indicates that the variant is pathogenic, but additional data are needed to prove that conclusively. Therefore, this variant has been classified as Likely Pathogenic.

Literature cited by the submitters: PubMed 7695699; PubMed 8218237; PubMed 19344236; PubMed 24922459; PubMed 25758994.